The following is an entry in ClinVar:

NM_000321.3(RB1):c.2410A>G (p.Ile804Val)

Gene: RB1 (RB transcriptional corepressor 1; plus strand). Cytogenetic location: 13q14.2.
Variant type: single nucleotide variant.
Coding change: c.2410A>G on transcript NM_000321.3 (MANE Select); coding-DNA position 2410, A replaced by G.
Protein change: p.Ile804Val; replaces isoleucine 804 with valine.
Molecular consequence: missense variant.
Genome position (GRCh38, 1-based): chr13:48,465,289, A>G. VCF-style: chr13-48465289-A-G. GRCh37 (hg19) VCF-style: chr13-49039425-A-G.
Other names: c.2410A>G, p.Ile804Val (NM_001407165.1); short protein forms I804V.
Identifiers: ClinVar variation 3231221 (VCV003231221.4), dbSNP rs2138345875, ClinGen allele CA388167920.
Genomic context (GRCh38, chr13:48,465,289, plus strand): 5'-CACATTCCTCGAAGCCCTTACAAGTTTCCTAGTTCACCCTTACGGATTCCTGGAGGGAAC[A>G]TCTATATTTCACCCCTGAAGAGTCCATATAAAATTTCAGAAGGTCTGCCAACACCAACAA-3'
Protein context (NP_000312.2, residues 794-814): SSPLRIPGGN[Ile804Val]YISPLKSPYK

ClinVar aggregate classification (germline): Uncertain significance. Review status: criteria provided, multiple submitters, no conflicts (2 of 4 stars). 3 submissions from 3 submitters: Uncertain significance (3). Last evaluated 2024-05-20.

Conditions:
Retinoblastoma (RB1). Also called: RETINOBLASTOMA, SOMATIC. Identifiers: Orphanet 790, MedGen C0035335, MeSH D012175, MONDO:0008380, OMIM 180200, HP:0009919. Disease mechanism: loss of function. Inheritance: Both sporadic and heritable forms are tested..
Hereditary cancer-predisposing syndrome. Also called: Neoplastic Syndromes, Hereditary; Tumor predisposition; Hereditary neoplastic syndrome; Hereditary Cancer Syndrome. Identifiers: Orphanet 140162, MedGen C0027672, MeSH D009386, MONDO:0015356.

Submissions (3):

Genetic Diagnostic Laboratory, University of Pennsylvania School of Medicine
Classification: Uncertain significance for Retinoblastoma. Last evaluated: 2024-05-20. Review status: criteria provided, single submitter. Criteria: ACMG Guidelines, 2015. Collection method: clinical testing. Allele origin: germline. Affected: yes. Observed: 1 variant allele.
Comment: Case and Pedigree Information: BILATERAL CASES:0, UNILATERAL CASES:1, TOTAL CASES:1, PEDIGREES:1. ACMG Codes Applied:PM2

Labcorp Genetics (formerly Invitae), Labcorp
Classification: Uncertain significance for Retinoblastoma. Last evaluated: 2024-05-15. Review status: criteria provided, single submitter. Criteria: Invitae Variant Classification Sherloc (09022015). Collection method: clinical testing. Allele origin: germline.
Comment: This sequence change replaces isoleucine, which is neutral and non-polar, with valine, which is neutral and non-polar, at codon 804 of the RB1 protein (p.Ile804Val). This variant is not present in population databases (gnomAD no frequency). This missense change has been observed in individual(s) with retinoblastoma (PMID: 32218800, 33493472). Advanced modeling of protein sequence and biophysical properties (such as structural, functional, and spatial information, amino acid conservation, physicochemical variation, residue mobility, and thermodynamic stability) performed at Invitae indicates that this missense variant is not expected to disrupt RB1 protein function with a negative predictive value of 80%. In summary, the available evidence is currently insufficient to determine the role of this variant in disease. Therefore, it has been classified as a Variant of Uncertain Significance.

Ambry Genetics
Classification: Uncertain significance for Hereditary cancer-predisposing syndrome. Last evaluated: 2023-10-28. Review status: criteria provided, single submitter. Criteria: Ambry Variant Classification Scheme 2023. Collection method: clinical testing. Allele origin: germline.
Comment: The p.I804V variant (also known as c.2410A>G), located in coding exon 23 of the RB1 gene, results from an A to G substitution at nucleotide position 2410. The isoleucine at codon 804 is replaced by valine, an amino acid with highly similar properties. This alteration has been identified in Chinese retinoblastoma patients and an unaffected parental control (Lan X et al. Front Genet, 2020 Mar;11:142; Chai P et al. Exp Eye Res, 2021 Apr;205:108456). This amino acid position is well conserved in available vertebrate species; however, valine is the reference amino acid in other vertebrate species. In addition, this alteration is predicted to be tolerated by in silico analysis. Since supporting evidence is limited at this time, the clinical significance of this alteration remains unclear.

Literature cited by the submitters: PubMed 32218800 (cited by Labcorp Genetics (formerly Invitae), Labcorp and Ambry Genetics); PubMed 33493472 (cited by Labcorp Genetics (formerly Invitae), Labcorp and Ambry Genetics).